The following is an entry in ClinVar:

ClinVar aggregate classification (germline): Benign/Likely benign. Review status: criteria provided, multiple submitters, no conflicts (2 of 4 stars). 8 submissions from 8 submitters: Benign (5); Likely benign (3). Last evaluated 2026-08-01.

Conditions:
Holoprosencephaly 9 (HPE9). Also called: PITUITARY ANOMALIES WITH HOLOPROSENCEPHALY-LIKE FEATURES; HOLOPROSENCEPHALY WITH MICROPHTHALMIA AND FIRST BRANCHIAL ARCH ANOMALIES. Identifiers: Orphanet 2162, MedGen C1835819, MONDO:0012563, OMIM 610829.
Postaxial polydactyly-anterior pituitary anomalies-facial dysmorphism syndrome. Also called: Culler-Jones syndrome. Identifiers: Orphanet 420584, MedGen C4014479, MONDO:0014369, OMIM 615849.

Allele frequency attached by ClinVar (database versions not stated): 1000 Genomes Project 0.00439; 1000 Genomes Project 30x 0.00453; TOPMed 0.00869; ESP Exome Variant Server 0.01000; gnomAD 0.01154; ExAC 0.01187.
gnomAD v4.1: 19,700 of 1,614,196 alleles (1.2%); highest among the groups gnomAD compares: Non-Finnish European, 1.3%; 142 homozygotes.

Submissions (8):

CeGaT Center for Human Genetics Tuebingen
Classification: Benign. Last evaluated: 2026-08-01. Review status: criteria provided, single submitter. Criteria: CeGaT Center For Human Genetics Tuebingen Variant Classification Criteria Version 2. Collection method: clinical testing. Allele origin: germline. Affected: yes. Observed: 20 variant alleles.
Comment: GLI2: BP4, BP7, BS1, BS2

Women's Health and Genetics/Laboratory Corporation of America, LabCorp
Classification: Benign. Last evaluated: 2026-05-11. Review status: criteria provided, single submitter. Criteria: LabCorp Variant Classification Summary - May 2015. Collection method: clinical testing. Allele origin: germline.

Labcorp Genetics (formerly Invitae), Labcorp
Classification: Benign for Postaxial polydactyly-anterior pituitary anomalies-facial dysmorphism syndrome; Holoprosencephaly 9. Last evaluated: 2026-01-26. Review status: criteria provided, single submitter. Criteria: Invitae Variant Classification Sherloc (09022015). Collection method: clinical testing. Allele origin: germline.

ARUP Laboratories, Molecular Genetics and Genomics, ARUP Laboratories
Classification: Benign. Last evaluated: 2021-11-30. Review status: criteria provided, single submitter. Criteria: ARUP Molecular Germline Variant Investigation Process 2021. Collection method: clinical testing. Allele origin: germline.

GeneDx
Classification: Likely benign. Last evaluated: 2020-08-31. Review status: criteria provided, single submitter. Criteria: GeneDx Variant Classification Process June 2021. Collection method: clinical testing. Allele origin: germline. Affected: yes.

Illumina Laboratory Services, Illumina
Classification: Benign for Holoprosencephaly 9. Last evaluated: 2018-01-13. Review status: criteria provided, single submitter. Criteria: ICSL Variant Classification Criteria 13 December 2019. Collection method: clinical testing. Allele origin: germline.
Comment: This variant was observed in the ICSL laboratory as part of a predisposition screen in an ostensibly healthy population. It had not been previously curated by ICSL or reported in the Human Gene Mutation Database (HGMD: prior to June 1st, 2018), and was therefore a candidate for classification through an automated scoring system. Utilizing variant allele frequency, disease prevalence and penetrance estimates, and inheritance mode, an automated score was calculated to assess if this variant is too frequent to cause the disease. Based on the score and internal cut-off values, a variant classified as benign is not then subjected to further curation. The score for this variant resulted in a classification of benign for this disease.

Breakthrough Genomics
Classification: Likely benign. Review status: criteria provided, single submitter. Criteria: ACMG Guidelines, 2015. Collection method: not provided. Allele origin: germline. Inheritance: Autosomal dominant inheritance. Affected: yes.

PreventionGenetics, part of Exact Sciences
Classification: Likely benign. Review status: criteria provided, single submitter. Criteria: ACMG Guidelines, 2015. Collection method: clinical testing. Allele origin: germline.

NM_001374353.1(GLI2):c.1710G>A (p.Thr570=)

Gene: GLI2 (GLI family zinc finger 2; plus strand). Cytogenetic location: 2q14.2.
Variant type: single nucleotide variant.
Coding change: c.1710G>A on transcript NM_001374353.1 (MANE Select); coding-DNA position 1710, G replaced by A.
Protein change: p.Thr570=; no amino-acid change (threonine 570 retained).
Molecular consequence: synonymous variant.
Genome position (GRCh38, 1-based): chr2:120,984,548, G>A. VCF-style: chr2-120984548-G-A. GRCh37 (hg19) VCF-style: chr2-121742124-G-A.
Other names: c.1761G>A, p.Thr587= (NM_001371271.1, NM_005270.5); c.1335G>A, p.Thr445= (NM_001374354.1).
Identifiers: ClinVar variation 259719 (VCV000259719.51), dbSNP rs61732852, ClinGen allele CA1852006.